The following is an entry in ClinVar:

NM_001267550.2(TTN):c.52595A>G (p.Asp17532Gly)

Genes: TTN (titin; minus strand), TTN-AS1 (TTN antisense RNA 1; plus strand), LOC126806425 (BRD4-independent group 4 enhancer GRCh37_chr2:179471933-179473132; plus strand). Cytogenetic location: 2q31.2.
Variant type: single nucleotide variant.
Coding change: c.52595A>G on transcript NM_001267550.2 (MANE Select); coding-DNA position 52595, A replaced by G.
Protein change: p.Asp17532Gly; replaces aspartic acid 17532 with glycine.
Molecular consequence: missense variant.
Genome position (GRCh38, 1-based): chr2:178,608,288, T>C on the plus strand (A>G on the coding strand, the complement: TTN is on the minus strand). VCF-style: chr2-178608288-T-C. GRCh37 (hg19) VCF-style: chr2-179473015-T-C.
Other names: c.47672A>G, p.Asp15891Gly (NM_001256850.1); c.25400A>G, p.Asp8467Gly (NM_003319.4); c.44891A>G, p.Asp14964Gly (NM_133378.4); c.25775A>G, p.Asp8592Gly (NM_133432.3); c.25976A>G, p.Asp8659Gly (NM_133437.4); short protein forms D17532G, D14964G, D15891G, D8592G, D8467G, D8659G.
Identifiers: ClinVar variation 467247 (VCV000467247.4), dbSNP rs1401966542, ClinGen allele CA349572654.

ClinVar aggregate classification (germline): Uncertain significance. Review status: criteria provided, multiple submitters, no conflicts (2 of 4 stars). 2 submissions from 2 submitters: Uncertain significance (2). Last evaluated 2025-05-27.

Conditions:
TTN-related disorder. Also called: TTN-related condition; TTN-related disease; TTN-related disorders.
Autosomal recessive limb-girdle muscular dystrophy type 2J (LGMDR10). Also called: Limb-girdle muscular dystrophy, type 2J; MUSCULAR DYSTROPHY, LIMB-GIRDLE, AUTOSOMAL RECESSIVE 10. Identifiers: Orphanet 140922, MedGen C1837342, MONDO:0012127, OMIM 608807.
Dilated cardiomyopathy 1G (CMD1G). Identifiers: Orphanet 154, MedGen C1858763, MONDO:0011400, OMIM 604145.

Allele frequency attached by ClinVar (database versions not stated): gnomAD 0.00001; TOPMed 0.00001.
gnomAD v4.1: 3 of 1,612,092 alleles (0.00019%); highest among the groups gnomAD compares: African/African-American, 0.0027%; no homozygotes.

Submissions (2):

PreventionGenetics, part of Exact Sciences
Classification: Uncertain significance for TTN-related condition. Last evaluated: 2025-05-27. Review status: criteria provided, single submitter. Criteria: ACMG Guidelines, 2015. Collection method: clinical testing. Allele origin: germline.
Comment: The TTN c.52595A>G variant is predicted to result in the amino acid substitution p.Asp17532Gly. To our knowledge, this variant has not been reported in the literature or in a large population database (gnomAD), indicating this variant is rare. At this time, the clinical significance of this variant is uncertain due to the absence of conclusive functional and genetic evidence.

Labcorp Genetics (formerly Invitae), Labcorp
Classification: Uncertain significance for Dilated cardiomyopathy 1G; Autosomal recessive limb-girdle muscular dystrophy type 2J. Last evaluated: 2017-06-02. Review status: criteria provided, single submitter. Criteria: Invitae Variant Classification Sherloc (09022015). Collection method: clinical testing. Allele origin: germline.